The following is an entry in ClinVar:

ClinVar aggregate classification (germline): Conflicting classifications of pathogenicity. Review status: criteria provided, conflicting classifications (1 of 4 stars). 4 submissions from 4 submitters: Uncertain significance (1); Likely benign (2). 1 of the submissions does not count toward it. Last evaluated 2025-12-22.

Conditions:
NRIP1-related disorder. Also called: NRIP1-related condition.

Allele frequency attached by ClinVar (database versions not stated): ESP Exome Variant Server 0.00038; TOPMed 0.00042; gnomAD 0.00044; ExAC 0.00045; gnomAD exomes 0.00067.
gnomAD v4.1: 1,018 of 1,612,278 alleles (0.063%); highest among the groups gnomAD compares: Non-Finnish European, 0.079%; 4 homozygotes.

Submissions (4):

Labcorp Genetics (formerly Invitae), Labcorp
Classification: Uncertain significance. Last evaluated: 2025-12-22. Review status: criteria provided, single submitter. Criteria: Invitae Variant Classification Sherloc (09022015). Collection method: clinical testing. Allele origin: germline.
Comment: This sequence change replaces arginine, which is basic and polar, with lysine, which is basic and polar, at codon 734 of the NRIP1 protein (p.Arg734Lys). This variant is present in population databases (rs147293713, gnomAD 0.07%), and has an allele count higher than expected for a pathogenic variant. This variant has not been reported in the literature in individuals affected with NRIP1-related conditions. ClinVar contains an entry for this variant (Variation ID: 2702753). An algorithm developed to predict the effect of missense changes on protein structure and function (PolyPhen-2) suggests that this variant is likely to be tolerated. In summary, the available evidence is currently insufficient to determine the role of this variant in disease. Therefore, it has been classified as a Variant of Uncertain Significance.

CeGaT Center for Human Genetics Tuebingen
Classification: Likely benign. Last evaluated: 2025-11-01. Review status: criteria provided, single submitter. Criteria: CeGaT Center For Human Genetics Tuebingen Variant Classification Criteria Version 2. Collection method: clinical testing. Allele origin: germline. Affected: yes. Observed: 1 variant allele.
Comment: NRIP1: BP4, BS1

Blueprint Genetics
Classification: Likely benign. Last evaluated: 2024-10-24. Review status: criteria provided, single submitter. Criteria: ACMG Guidelines, 2015. Collection method: clinical testing. Allele origin: germline.

PreventionGenetics, part of Exact Sciences
Classification: Likely benign for NRIP1-related condition. Last evaluated: 2023-04-05. Review status: no assertion criteria provided. Collection method: clinical testing. Allele origin: germline. Not counted in ClinVar's aggregate classification.
Comment: This variant is classified as likely benign based on ACMG/AMP sequence variant interpretation guidelines (Richards et al. 2015 PMID: 25741868, with internal and published modifications).

NM_003489.4(NRIP1):c.2201G>A (p.Arg734Lys)

Gene: NRIP1 (nuclear receptor interacting protein 1; minus strand). Cytogenetic location: 21q11.2.
Variant type: single nucleotide variant.
Coding change: c.2201G>A on transcript NM_003489.4 (MANE Select); coding-DNA position 2201, G replaced by A.
Protein change: p.Arg734Lys; replaces arginine 734 with lysine.
Molecular consequence: missense variant.
Genome position (GRCh38, 1-based): chr21:14,965,992, C>T on the plus strand (G>A on the coding strand, the complement: NRIP1 is on the minus strand). VCF-style: chr21-14965992-C-T. GRCh37 (hg19) VCF-style: chr21-16338313-C-T.
Other names: c.2201G>A (NM_003489.3); short protein forms R734K.
Identifiers: ClinVar variation 2702753 (VCV002702753.10), dbSNP rs147293713, ClinGen allele CA9981193.